The following is an entry in ClinVar:

ClinVar aggregate classification (germline): Uncertain significance (1 of 4 stars; one submission).

Conditions:
Fanconi anemia complementation group E (FANCE). Also called: FANCE-Related Fanconi Anemia. Identifiers: Orphanet 84, MedGen C3160739, MONDO:0010953, OMIM 600901.

Allele frequency attached by ClinVar (database versions not stated): TOPMed below 0.00001.
gnomAD v4.1: 1 of 1,241,056 alleles (0.000081%); highest among the groups gnomAD compares: South Asian, 0.0036%; no homozygotes.

Submission:

Labcorp Genetics (formerly Invitae), Labcorp
Classification: Uncertain significance for Fanconi anemia complementation group E. Last evaluated: 2022-07-03. Review status: criteria provided, single submitter. Criteria: Invitae Variant Classification Sherloc (09022015). Collection method: clinical testing. Allele origin: germline.
Comment: In summary, the available evidence is currently insufficient to determine the role of this variant in disease. Therefore, it has been classified as a Variant of Uncertain Significance. Algorithms developed to predict the effect of missense changes on protein structure and function are either unavailable or do not agree on the potential impact of this missense change (SIFT: "Tolerated"; PolyPhen-2: "Possibly Damaging"; Align-GVGD: "Class C0"). This variant has not been reported in the literature in individuals affected with FANCE-related conditions. This variant is not present in population databases (gnomAD no frequency). This sequence change replaces arginine, which is basic and polar, with cysteine, which is neutral and slightly polar, at codon 53 of the FANCE protein (p.Arg53Cys).

NM_021922.3(FANCE):c.157C>T (p.Arg53Cys)

Genes: FANCE (FA complementation group E; plus strand), LOC129996245 (ATAC-STARR-seq lymphoblastoid silent region 17092; plus strand). Cytogenetic location: 6p21.31.
Variant type: single nucleotide variant.
Coding change: c.157C>T on transcript NM_021922.3 (MANE Select); coding-DNA position 157, C replaced by T.
Protein change: p.Arg53Cys; replaces arginine 53 with cysteine.
Molecular consequence: missense variant.
Genome position (GRCh38, 1-based): chr6:35,452,702, C>T. VCF-style: chr6-35452702-C-T. GRCh37 (hg19) VCF-style: chr6-35420479-C-T.
Other names: c.157C>T, p.Arg53Cys (NM_001410876.1); short protein forms R53C.
Identifiers: ClinVar variation 1900733 (VCV001900733.5), dbSNP rs1767156722, ClinGen allele CA363770453.
Genomic context (GRCh38, chr6:35,452,702, plus strand): 5'-CTGCAGGCGGGGCCTGAGGGGGCGCGGCGCGGCCTGGGGGTGCTCCGGGCGCTGGGCAGC[C>T]GCGGCTGGGAGCCCTTCGACTGGGGTCGCTTGCTCGAGGCCCTGTGCCGGGAGGAGCCGG-3'
Protein context (NP_068741.1, residues 43-63): GLGVLRALGS[Arg53Cys]GWEPFDWGRL